The following is an entry in ClinVar:

ClinVar aggregate classification (germline): Likely pathogenic (1 of 4 stars; one submission).

Conditions:
Neuronal ceroid lipofuscinosis 13 (CLN13). Also called: CLN13 Disease; CEROID LIPOFUSCINOSIS, NEURONAL, 13 (KUFS TYPE). Identifiers: Orphanet 352709, Orphanet 79262, MedGen C3715049, MONDO:0014147, OMIM 615362.

Submission:

Juno Genomics, Hangzhou Juno Genomics, Inc
Classification: Likely pathogenic for Neuronal ceroid lipofuscinosis 13. Review status: criteria provided, single submitter. Criteria: ACMG Guidelines, 2015. Collection method: clinical testing. Allele origin: germline.
Comment: Null variant in a gene where loss of function (LOF) is a known mechanism of disease.;Absent from controls (or at extremely low frequency if recessive) in Genome Aggregation Database.

NM_003793.4(CTSF):c.1231-3_1231-2del

Gene: CTSF (cathepsin F; minus strand). Cytogenetic location: 11q13.2.
Variant type: Deletion.
Coding change: c.1231-3_1231-2del on transcript NM_003793.4 (MANE Select); 3 bases into the intron before coding-DNA position 1231 through the canonical splice acceptor site of the intron before coding-DNA position 1231, 2 bases deleted (CA; older notation c.1231-3_1231-2delCA).
Molecular consequence: splice acceptor variant.
Genome position (GRCh38, 1-based): chr11:66,564,650-66,564,651, TG deleted on the plus strand (CA on the coding strand, the reverse complement: CTSF is on the minus strand). VCF-style (leftmost placement, unchanged base first): chr11-66564649-CTG-C. GRCh37 (hg19) VCF-style: chr11-66332120-CTG-C.
Identifiers: ClinVar variation 5004957 (VCV005004957.2).